The following is an entry in ClinVar:

ClinVar aggregate classification (germline): Uncertain significance (1 of 4 stars; one submission).

Conditions:
Intellectual developmental disorder, autosomal dominant 76. Identifiers: MedGen C6012756, MONDO:0979575, OMIM 621285.

Submission:

Juno Genomics, Hangzhou Juno Genomics, Inc
Classification: Uncertain significance for Intellectual developmental disorder, autosomal dominant 76. Review status: criteria provided, single submitter. Criteria: ACMG Guidelines, 2015. Collection method: clinical testing. Allele origin: germline. Affected: yes.
Comment: Absent from controls (or at extremely low frequency if recessive) in Genome Aggregation Database.;Multiple lines of computational evidence support a deleterious effect on the gene or gene product.;Missense variant in a gene that has a low rate of benign missense variation.

NM_001039469.3(MARK2):c.629G>A (p.Cys210Tyr)

Gene: MARK2 (microtubule affinity regulating kinase 2; plus strand). Cytogenetic location: 11q13.1.
Variant type: single nucleotide variant.
Coding change: c.629G>A on transcript NM_001039469.3 (MANE Select); coding-DNA position 629, G replaced by A.
Protein change: p.Cys210Tyr; replaces cysteine 210 with tyrosine.
Molecular consequence: missense variant.
Genome position (GRCh38, 1-based): chr11:63,899,971, G>A. VCF-style: chr11-63899971-G-A. GRCh37 (hg19) VCF-style: chr11-63667443-G-A.
Other names: c.629G>A, p.Cys210Tyr (NM_001163296.2, NM_001163297.2, NM_004954.5); c.530G>A, p.Cys177Tyr (NM_017490.4); short protein forms C177Y, C210Y.
Identifiers: ClinVar variation 5020048 (VCV005020048.1).